The following is an entry in ClinVar:

NM_153766.3(KCNJ1):c.272C>T (p.Pro91Leu)

Gene: KCNJ1 (potassium inwardly rectifying channel subfamily J member 1; minus strand). Cytogenetic location: 11q24.3.
Variant type: single nucleotide variant.
Coding change: c.272C>T on transcript NM_153766.3 (MANE Select); coding-DNA position 272, C replaced by T.
Protein change: p.Pro91Leu; replaces proline 91 with leucine.
Molecular consequence: missense variant.
Genome position (GRCh38, 1-based): chr11:128,839,972, G>A on the plus strand (C>T on the coding strand, the complement: KCNJ1 is on the minus strand). VCF-style: chr11-128839972-G-A. GRCh37 (hg19) VCF-style: chr11-128709867-G-A.
Other names: c.329C>T, p.Pro110Leu (NM_000220.6); c.272C>T, p.Pro91Leu (NM_153764.3, NM_153767.4); c.323C>T, p.Pro108Leu (NM_153765.3); short protein forms P108L, P110L, P91L.
Identifiers: ClinVar variation 981532 (VCV000981532.8), dbSNP rs373745258, ClinGen allele CA6357543.

ClinVar aggregate classification (germline): Pathogenic/Likely pathogenic. Review status: criteria provided, multiple submitters, no conflicts (2 of 4 stars). 5 submissions from 5 submitters: Pathogenic (3); Likely pathogenic (2). Last evaluated 2026-02-06.

Conditions:
KCNJ1-related disorders.
KCNJ1-related disorder. Also called: KCNJ1-related condition.
Bartter disease type 2. Also called: HYPERPROSTAGLANDIN E SYNDROME 2; HYPOKALEMIC ALKALOSIS WITH HYPERCALCIURIA 2, ANTENATAL; Bartter syndrome, type 2, antenatal. Identifiers: Orphanet 112, Orphanet 620220, MedGen C1855849, MONDO:0009424, OMIM 241200.

Allele frequency attached by ClinVar (database versions not stated): gnomAD 0.00003; TOPMed 0.00004; ESP Exome Variant Server 0.00008.

Submissions (5):

PreventionGenetics, part of Exact Sciences
Classification: Pathogenic for KCNJ1-related condition. Last evaluated: 2026-02-06. Review status: criteria provided, single submitter. Criteria: ACMG Guidelines, 2015. Collection method: clinical testing. Allele origin: germline.
Comment: The KCNJ1 c.329C>T variant is predicted to result in the amino acid substitution p.Pro110Leu. This variant has been reported in individuals with Bartter syndrome (Karolyi et al. 1997. PubMed ID: 9002665; Konrad et al. 1999. PubMed ID: 10049979; Jeck et al. 2001. PubMed ID: 11318951; Brochard K. et al. 2009. PubMed ID: 19096086; Verma et al. 2020. PubMed ID: 32590952) and segregated with disease in two siblings (Konrad et al. 1999. PubMed ID: 10049979). Functional studies have shown this variant impacts protein function (Jeck et al. 2001. PubMed ID: 11318951). This variant is reported in 0.0054% of alleles in individuals of European (Non-Finnish) descent in gnomAD. This variant is interpreted as pathogenic.

Labcorp Genetics (formerly Invitae), Labcorp
Classification: Pathogenic. Last evaluated: 2024-08-31. Review status: criteria provided, single submitter. Criteria: Invitae Variant Classification Sherloc (09022015). Collection method: clinical testing. Allele origin: germline.
Comment: This sequence change replaces proline, which is neutral and non-polar, with leucine, which is neutral and non-polar, at codon 110 of the KCNJ1 protein (p.Pro110Leu). This variant is present in population databases (rs373745258, gnomAD 0.005%). This missense change has been observed in individual(s) with Bartter syndrome and/or neonatal Bartter syndrome type II (PMID: 9002665, 10049979, 11318951, 32590952). In at least one individual the data is consistent with being in trans (on the opposite chromosome) from a pathogenic variant. ClinVar contains an entry for this variant (Variation ID: 981532). An algorithm developed to predict the effect of missense changes on protein structure and function (PolyPhen-2) suggests that this variant is likely to be disruptive. Experimental studies have shown that this missense change affects KCNJ1 function (PMID: 11318951). For these reasons, this variant has been classified as Pathogenic.

Fulgent Genetics
Classification: Likely pathogenic for Bartter disease type 2. Last evaluated: 2024-04-12. Review status: criteria provided, single submitter. Criteria: ACMG Guidelines, 2015. Collection method: clinical testing. Allele origin: germline.

Blueprint Genetics
Classification: Pathogenic for KCNJ1-related disorders. Last evaluated: 2023-07-26. Review status: criteria provided, single submitter. Criteria: ACMG Guidelines, 2015. Collection method: clinical testing. Allele origin: germline. Affected: yes. Observed: 4 variant alleles.

Johns Hopkins Genomics, Johns Hopkins University
Classification: Likely pathogenic for Bartter disease type 2. Last evaluated: 2020-09-09. Review status: criteria provided, single submitter. Criteria: ACMG Guidelines, 2015. Collection method: clinical testing. Allele origin: germline.
Comment: This KCNJ1 variant has been reported in the compound heterozygous state in several individuals presenting with Bartter syndrome. This variant is located within the extracellular loop, which is suggested to play an essential role in pore formation. KCNJ1 c.329C>T (rs373745258) is rare (<0.1%) in a large population dataset (gnomAD: 7/282324 total alleles; 0.002%; no homozygotes) and has not been reported in ClinVar, to our knowledge. We consider this variant to be likely pathogenic.

Literature cited by the submitters: PubMed 9002665 (cited by Labcorp Genetics (formerly Invitae), Labcorp); PubMed 10049979 (cited by Labcorp Genetics (formerly Invitae), Labcorp and Johns Hopkins Genomics, Johns Hopkins University); PubMed 11318951 (cited by Labcorp Genetics (formerly Invitae), Labcorp and Johns Hopkins Genomics, Johns Hopkins University); PubMed 32590952 (cited by Labcorp Genetics (formerly Invitae), Labcorp and Johns Hopkins Genomics, Johns Hopkins University).